The following is an entry in ClinVar:

ClinVar aggregate classification (germline): Uncertain significance. Review status: criteria provided, multiple submitters, no conflicts (2 of 4 stars). 2 submissions from 2 submitters: Uncertain significance (2). Last evaluated 2024-10-10.

Conditions:
Inborn genetic diseases. Identifiers: MedGen C0950123, MeSH D030342.

Allele frequency attached by ClinVar (database versions not stated): gnomAD exomes 0.00002 and 0.00004; ExAC 0.00003; gnomAD 0.00006; TOPMed 0.00009.
gnomAD v4.1: 34 of 1,208,538 alleles (0.0028%); highest among the groups gnomAD compares: East Asian, 0.003%; no homozygotes.

Submissions (2):

Labcorp Genetics (formerly Invitae), Labcorp
Classification: Uncertain significance. Last evaluated: 2024-10-10. Review status: criteria provided, single submitter. Criteria: Invitae Variant Classification Sherloc (09022015). Collection method: clinical testing. Allele origin: germline.
Comment: This sequence change replaces arginine, which is basic and polar, with cysteine, which is neutral and slightly polar, at codon 338 of the CLCN5 protein (p.Arg338Cys). This variant is present in population databases (rs782693047, gnomAD 0.04%). This variant has not been reported in the literature in individuals affected with CLCN5-related conditions. ClinVar contains an entry for this variant (Variation ID: 1051620). Invitae Evidence Modeling of protein sequence and biophysical properties (such as structural, functional, and spatial information, amino acid conservation, physicochemical variation, residue mobility, and thermodynamic stability) indicates that this missense variant is not expected to disrupt CLCN5 protein function with a negative predictive value of 80%. In summary, the available evidence is currently insufficient to determine the role of this variant in disease. Therefore, it has been classified as a Variant of Uncertain Significance.

Ambry Genetics
Classification: Uncertain significance for Inborn genetic diseases. Last evaluated: 2023-04-25. Review status: criteria provided, single submitter. Criteria: Ambry Variant Classification Scheme 2023. Collection method: clinical testing. Allele origin: germline.

NM_001127898.4(CLCN5):c.1222C>T (p.Arg408Cys)

Gene: CLCN5 (chloride voltage-gated channel 5; plus strand). Cytogenetic location: Xp11.23.
Variant type: single nucleotide variant.
Coding change: c.1222C>T on transcript NM_001127898.4 (MANE Select); coding-DNA position 1222, C replaced by T.
Protein change: p.Arg408Cys; replaces arginine 408 with cysteine.
Molecular consequence: missense variant.
Genome position (GRCh38, 1-based): chrX:50,086,535, C>T. VCF-style: chrX-50086535-C-T. GRCh37 (hg19) VCF-style: chrX-49851192-C-T.
Other names: c.1012C>T, p.Arg338Cys (NM_000084.5); c.1222C>T, p.Arg408Cys (NM_001127899.4); c.1072C>T, p.Arg358Cys (NM_001282163.2); c.1012C>T (NM_000084.2); short protein forms R338C, R358C, R408C.
Identifiers: ClinVar variation 1051620 (VCV001051620.8), dbSNP rs782693047, ClinGen allele CA10413848.